The following is an entry in ClinVar:

NM_002582.4(PARN):c.841-2A>G

Gene: PARN (poly(A)-specific ribonuclease; minus strand). Cytogenetic location: 16p13.12.
Variant type: single nucleotide variant.
Coding change: c.841-2A>G on transcript NM_002582.4 (MANE Select); the canonical splice acceptor site of the intron before coding-DNA position 841, A replaced by G.
Molecular consequence: splice acceptor variant.
Genome position (GRCh38, 1-based): chr16:14,593,380, T>C on the plus strand (A>G on the coding strand, the complement: PARN is on the minus strand). VCF-style: chr16-14593380-T-C. GRCh37 (hg19) VCF-style: chr16-14687237-T-C.
Other names: c.658-2A>G (NM_001134477.3); c.703-2A>G (NM_001242992.2).
Identifiers: ClinVar variation 1502975 (VCV001502975.6), dbSNP rs2151767204, ClinGen allele CA394804812.

ClinVar aggregate classification (germline): Likely pathogenic (1 of 4 stars; one submission).

Conditions:
Dyskeratosis congenita, autosomal recessive 6 (DKCB6). Identifiers: MedGen C4225356, MONDO:0014600, OMIM 616353.
Pulmonary fibrosis and/or bone marrow failure, Telomere-related, 4. Also called: PULMONARY FIBROSIS AND/OR BONE MARROW FAILURE SYNDROME, TELOMERE-RELATED, 4. Identifiers: Orphanet 2032, MedGen C4225347, MONDO:0014612, OMIM 616371.

Submission:

Labcorp Genetics (formerly Invitae), Labcorp
Classification: Likely pathogenic for Dyskeratosis congenita, autosomal recessive 6; Pulmonary fibrosis and/or bone marrow failure, Telomere-related, 4. Last evaluated: 2024-05-08. Review status: criteria provided, single submitter. Criteria: Invitae Variant Classification Sherloc (09022015). Collection method: clinical testing. Allele origin: germline.
Comment: This sequence change affects an acceptor splice site in intron 12 of the PARN gene. It is expected to disrupt RNA splicing. Variants that disrupt the donor or acceptor splice site typically lead to a loss of protein function (PMID: 16199547), and loss-of-function variants in PARN are known to be pathogenic (PMID: 9736620, 25848748, 26810774). This variant is not present in population databases (gnomAD no frequency). This variant has not been reported in the literature in individuals affected with PARN-related conditions. ClinVar contains an entry for this variant (Variation ID: 1502975). Algorithms developed to predict the effect of sequence changes on RNA splicing suggest that this variant may disrupt the consensus splice site. In summary, the currently available evidence indicates that the variant is pathogenic, but additional data are needed to prove that conclusively. Therefore, this variant has been classified as Likely Pathogenic.

Literature cited by the submitters: PubMed 16199547; PubMed 9736620; PubMed 25848748; PubMed 26810774.